The following is an entry in ClinVar:

ClinVar aggregate classification (germline): Likely pathogenic (1 of 4 stars; one submission).

gnomAD v4.1: 1 of 1,614,026 alleles (0.000062%); highest among the groups gnomAD compares: South Asian, 0.0011%; no homozygotes.

Submission:

Labcorp Genetics (formerly Invitae), Labcorp
Classification: Likely pathogenic. Last evaluated: 2023-08-04. Review status: criteria provided, single submitter. Criteria: Invitae Variant Classification Sherloc (09022015). Collection method: clinical testing. Allele origin: germline.
Comment: In summary, the currently available evidence indicates that the variant is pathogenic, but additional data are needed to prove that conclusively. Therefore, this variant has been classified as Likely Pathogenic. Algorithms developed to predict the effect of sequence changes on RNA splicing suggest that this variant may disrupt the consensus splice site. ClinVar contains an entry for this variant (Variation ID: 1392787). This variant has been observed in individual(s) with albinism (Invitae). In at least one individual the data is consistent with being in trans (on the opposite chromosome) from a pathogenic variant. This variant is not present in population databases (gnomAD no frequency). This sequence change falls in intron 8 of the OCA2 gene. It does not directly change the encoded amino acid sequence of the OCA2 protein.

NM_000275.3(OCA2):c.891-10C>A

Gene: OCA2 (OCA2 melanosomal transmembrane protein; minus strand). Cytogenetic location: 15q13.1.
Variant type: single nucleotide variant.
Coding change: c.891-10C>A on transcript NM_000275.3 (MANE Select); 10 bases into the intron before coding-DNA position 891, C replaced by A.
Molecular consequence: intron variant.
Genome position (GRCh38, 1-based): chr15:28,014,939, G>T on the plus strand (C>A on the coding strand, the complement: OCA2 is on the minus strand). VCF-style: chr15-28014939-G-T. GRCh37 (hg19) VCF-style: chr15-28260085-G-T.
Other names: c.891-10C>A (NM_001300984.2).
Identifiers: ClinVar variation 1392787 (VCV001392787.6), dbSNP rs1244128314, ClinGen allele CA2573150571.